The following is an entry in ClinVar:

ClinVar aggregate classification (germline): Conflicting classifications of pathogenicity. Review status: criteria provided, conflicting classifications (1 of 4 stars). 2 submissions from 2 submitters: Uncertain significance (1); Likely benign (1). Last evaluated 2026-06-23.

Conditions:
Hereditary cancer-predisposing syndrome. Also called: Hereditary neoplastic syndrome; Neoplastic Syndromes, Hereditary; Tumor predisposition; Hereditary Cancer Syndrome. Identifiers: Orphanet 140162, MedGen C0027672, MeSH D009386, MONDO:0015356.
Neuroblastoma, susceptibility to, 3. Also called: ALK-Related Neuroblastic Tumor Susceptibility. Identifiers: Orphanet 635, MedGen C2751681, MONDO:0013083, OMIM 613014.

Allele frequency attached by ClinVar (database versions not stated): gnomAD exomes below 0.00001.
gnomAD v4.1: 2 of 1,612,906 alleles (0.00012%); highest among the groups gnomAD compares: Non-Finnish European, 0.00017%; no homozygotes.

Submissions (2):

Ambry Genetics
Classification: Likely benign for Hereditary cancer-predisposing syndrome. Last evaluated: 2026-06-23. Review status: criteria provided, single submitter. Criteria: Ambry Variant Classification Scheme 2023. Collection method: clinical testing. Allele origin: germline.

Labcorp Genetics (formerly Invitae), Labcorp
Classification: Uncertain significance for Neuroblastoma, susceptibility to, 3. Last evaluated: 2022-08-22. Review status: criteria provided, single submitter. Criteria: Invitae Variant Classification Sherloc (09022015). Collection method: clinical testing. Allele origin: germline.
Comment: In summary, the available evidence is currently insufficient to determine the role of this variant in disease. Therefore, it has been classified as a Variant of Uncertain Significance. This variant has not been reported in the literature in individuals affected with ALK-related conditions. This variant is not present in population databases (gnomAD no frequency). This sequence change creates a premature translational stop signal (p.Trp883*) in the ALK gene. It is expected to result in an absent or disrupted protein product. However, the current clinical and genetic evidence is not sufficient to establish whether loss-of-function variants in ALK cause disease.

NM_004304.5(ALK):c.2649G>A (p.Trp883Ter)

Gene: ALK (ALK receptor tyrosine kinase; minus strand). Cytogenetic location: 2p23.2.
Variant type: single nucleotide variant.
Coding change: c.2649G>A on transcript NM_004304.5 (MANE Select); coding-DNA position 2649, G replaced by A.
Protein change: p.Trp883Ter; replaces tryptophan 883 with a stop codon.
Molecular consequence: nonsense.
Genome position (GRCh38, 1-based): chr2:29,229,050, C>T on the plus strand (G>A on the coding strand, the complement: ALK is on the minus strand). VCF-style: chr2-29229050-C-T. GRCh37 (hg19) VCF-style: chr2-29451916-C-T.
Other names: c.2649G>A (NM_004304.4); short protein forms W883*.
Identifiers: ClinVar variation 1965052 (VCV001965052.6), dbSNP rs2465978422, ClinGen allele CA346470077.